The following is an entry in ClinVar:

ClinVar aggregate classification (germline): Conflicting classifications of pathogenicity. Review status: criteria provided, conflicting classifications (1 of 4 stars). 4 submissions from 4 submitters: Uncertain significance (1); Benign (1); Likely benign (1). 1 of the submissions does not count toward it. Last evaluated 2025-12-28.

Conditions:
Inborn genetic diseases. Identifiers: MedGen C0950123, MeSH D030342.
DNAH9-related disorder. Also called: DNAH9-related condition.

Allele frequency attached by ClinVar (database versions not stated): ESP Exome Variant Server 0.00015; gnomAD 0.00058; 1000 Genomes Project 30x 0.00062; ExAC 0.00075; 1000 Genomes Project 0.00080.
gnomAD v4.1: 700 of 1,614,184 alleles (0.043%); highest among the groups gnomAD compares: Non-Finnish European, 0.034%; 4 homozygotes.

Submissions (4):

Labcorp Genetics (formerly Invitae), Labcorp
Classification: Benign. Last evaluated: 2025-12-28. Review status: criteria provided, single submitter. Criteria: Invitae Variant Classification Sherloc (09022015). Collection method: clinical testing. Allele origin: germline.

Ambry Genetics
Classification: Uncertain significance for Inborn genetic diseases. Last evaluated: 2025-09-25. Review status: criteria provided, single submitter. Criteria: Ambry Variant Classification Scheme 2023. Collection method: clinical testing. Allele origin: germline.

Blueprint Genetics
Classification: Likely benign. Last evaluated: 2024-09-05. Review status: criteria provided, single submitter. Criteria: ACMG Guidelines, 2015. Collection method: clinical testing. Allele origin: germline.

PreventionGenetics, part of Exact Sciences
Classification: Likely benign for DNAH9-related condition. Last evaluated: 2021-02-16. Review status: no assertion criteria provided. Collection method: clinical testing. Allele origin: germline. Not counted in ClinVar's aggregate classification.
Comment: This variant is classified as likely benign based on ACMG/AMP sequence variant interpretation guidelines (Richards et al. 2015 PMID: 25741868, with internal and published modifications).

NM_001372.4(DNAH9):c.4247A>G (p.Tyr1416Cys)

Gene: DNAH9 (dynein axonemal heavy chain 9; plus strand). Cytogenetic location: 17p12.
Variant type: single nucleotide variant.
Coding change: c.4247A>G on transcript NM_001372.4 (MANE Select); coding-DNA position 4247, A replaced by G.
Protein change: p.Tyr1416Cys; replaces tyrosine 1416 with cysteine.
Molecular consequence: missense variant.
Genome position (GRCh38, 1-based): chr17:11,690,069, A>G. VCF-style: chr17-11690069-A-G. GRCh37 (hg19) VCF-style: chr17-11593386-A-G.
Other names: short protein forms Y1416C.
Identifiers: ClinVar variation 2073682 (VCV002073682.9), dbSNP rs191732050, ClinGen allele CA8395632.